The following is an entry in ClinVar:

NM_000179.3(MSH6):c.404_405del (p.Asp135fs)

Gene: MSH6 (mutS homolog 6; plus strand). Cytogenetic location: 2p16.3.
Variant type: Deletion.
Coding change: c.404_405del on transcript NM_000179.3 (MANE Select); coding-DNA positions 404 to 405, 2 bases deleted (AT; older notation c.404_405delAT).
Protein change: p.Asp135fs; shifts the reading frame from aspartic acid 135.
Molecular consequence: frameshift variant. On other transcripts: 5 prime UTR variant (2), intron variant (1).
Genome position (GRCh38, 1-based): chr2:47,791,070-47,791,071, AT deleted. VCF-style (leftmost placement, unchanged base first): chr2-47791069-GAT-G. GRCh37 (hg19) VCF-style: chr2-48018208-GAT-G.
Other names: c.-333_-332del (NM_001281493.2); c.-499_-498del (NM_001281494.2); c.500_501delAT, p.Asp167Glyfs (NM_001406795.1, NM_001406802.1); c.404_405delAT, p.Asp135Glyfs (NM_001406796.1, NM_001406798.1, NM_001406800.1 and 6 more transcripts); c.107_108delAT, p.Asp36Glyfs (NM_001406797.1, NM_001406801.1, NM_001406805.1 and 10 more transcripts); c.326_327delAT, p.Asp109Glyfs (NM_001406804.1); c.-525_-524delAT (NM_001406807.1); c.-333_-332delAT (NM_001406811.1, NM_001406823.1, NM_001406829.1); and 3 more; short protein forms D135fs.
Identifiers: ClinVar variation 1737280 (VCV001737280.2), dbSNP rs2530438548, ClinGen allele CA2580066883.
Genomic context (GRCh38, chr2:47,791,069, plus strand): 5'-TTTGATGGAACATTCATCCGCGAGAAAGGGAAATCAGTCCGTGTTCATGTACAGTTTTTT[GAT>G]GACAGCCCAACAAGGGGCTGGGTTAGCAAAAGGCTTTTAAAGCCATATACAGGTAAGAGT-3'

ClinVar aggregate classification (germline): Pathogenic (1 of 4 stars; one submission).

Conditions:
Hereditary cancer-predisposing syndrome. Also called: Neoplastic Syndromes, Hereditary; Tumor predisposition; Hereditary Cancer Syndrome; Hereditary neoplastic syndrome. Identifiers: Orphanet 140162, MedGen C0027672, MeSH D009386, MONDO:0015356.

Submission:

Ambry Genetics
Classification: Pathogenic for Hereditary cancer-predisposing syndrome. Last evaluated: 2017-10-20. Review status: criteria provided, single submitter. Criteria: Ambry Variant Classification Scheme 2023. Collection method: clinical testing. Allele origin: germline.
Comment: The c.404_405delAT pathogenic mutation, located in coding exon 2 of the MSH6 gene, results from a deletion of two nucleotides at nucleotide positions 404 to 405, causing a translational frameshift with a predicted alternate stop codon (p.D135Gfs*9). This alteration is expected to result in loss of function by premature protein truncation or nonsense-mediated mRNA decay. As such, this alteration is interpreted as a disease-causing mutation.